The following is an entry in ClinVar:

NM_152263.4(TPM3):c.320T>C (p.Leu107Pro)

Gene: TPM3 (tropomyosin 3; minus strand). Cytogenetic location: 1q21.3.
Variant type: single nucleotide variant.
Coding change: c.320T>C on transcript NM_152263.4 (MANE Select); coding-DNA position 320, T replaced by C.
Protein change: p.Leu107Pro; replaces leucine 107 with proline.
Molecular consequence: missense variant. On other transcripts: 5 prime UTR variant (1), non-coding transcript variant (1), intron variant (1).
Genome position (GRCh38, 1-based): chr1:154,176,172, A>G on the plus strand (T>C on the coding strand, the complement: TPM3 is on the minus strand). VCF-style: chr1-154176172-A-G. GRCh37 (hg19) VCF-style: chr1-154148648-A-G.
Other names: c.209T>C, p.Leu70Pro (NM_001043351.2, NM_001043352.2, NM_001043353.2 and 5 more transcripts); c.-62T>C (NM_001278191.2); c.320T>C, p.Leu107Pro (NM_001364679.2, NM_001364680.2, NM_001364681.2 and 1 more transcripts); c.69-2971T>C (NM_001278188.2); short protein forms L107P, L70P.
Identifiers: ClinVar variation 3756032 (VCV003756032.2).

ClinVar aggregate classification (germline): Uncertain significance (1 of 4 stars; one submission).

Conditions:
Congenital myopathy 4B, autosomal recessive. Also called: Nemaline myopathy 1, autosomal dominant or recessive. Identifiers: Orphanet 171433, Orphanet 171439, Orphanet 171881, MedGen C5829889, MONDO:0012239, OMIM 609284.
Congenital myopathy with fiber type disproportion. Also called: Congenital fiber-type disproportion myopathy; Congenital fiber-type disproportion. Identifiers: Orphanet 2020, MedGen C0546264, MONDO:0009711. Inheritance: all.

Submission:

Labcorp Genetics (formerly Invitae), Labcorp
Classification: Uncertain significance for Congenital myopathy with fiber type disproportion; Congenital myopathy 4B, autosomal recessive. Last evaluated: 2024-04-25. Review status: criteria provided, single submitter. Criteria: Invitae Variant Classification Sherloc (09022015). Collection method: clinical testing. Allele origin: germline.
Comment: This sequence change replaces leucine, which is neutral and non-polar, with proline, which is neutral and non-polar, at codon 107 of the TPM3 protein (p.Leu107Pro). This variant is not present in population databases (gnomAD no frequency). This variant has not been reported in the literature in individuals affected with TPM3-related conditions. Advanced modeling of protein sequence and biophysical properties (such as structural, functional, and spatial information, amino acid conservation, physicochemical variation, residue mobility, and thermodynamic stability) performed at Invitae indicates that this missense variant is expected to disrupt TPM3 protein function with a positive predictive value of 80%. In summary, the available evidence is currently insufficient to determine the role of this variant in disease. Therefore, it has been classified as a Variant of Uncertain Significance.